The following is an entry in ClinVar:

ClinVar aggregate classification (germline): Benign. Review status: criteria provided, multiple submitters, no conflicts (2 of 4 stars). 4 submissions from 4 submitters: Benign (4). Last evaluated 2026-01-26.

Conditions:
Age related macular degeneration 1 (ARMD1). Also called: MACULOPATHY, AGE-RELATED, 1. Identifiers: MedGen C1864205, MONDO:0011285, OMIM 603075.

Allele frequency attached by ClinVar (database versions not stated): gnomAD exomes 0.00099 and 0.00263; ExAC 0.00332; 1000 Genomes Project 30x 0.00859; 1000 Genomes Project 0.00879; gnomAD 0.00998 and 0.01074; TOPMed 0.01113; ESP Exome Variant Server 0.01169.
gnomAD v4.1: 3,003 of 1,612,674 alleles (0.19%); highest among the groups gnomAD compares: African/African-American, 3.6%; 68 homozygotes.

Submissions (4):

Labcorp Genetics (formerly Invitae), Labcorp
Classification: Benign. Last evaluated: 2026-01-26. Review status: criteria provided, single submitter. Criteria: Invitae Variant Classification Sherloc (09022015). Collection method: clinical testing. Allele origin: germline.

Genome-Nilou Lab
Classification: Benign for Age related macular degeneration 1. Last evaluated: 2023-04-11. Review status: criteria provided, single submitter. Criteria: ACMG Guidelines, 2015. Collection method: clinical testing. Allele origin: germline. Affected: no.

Illumina Laboratory Services, Illumina
Classification: Benign for Age related macular degeneration 1. Last evaluated: 2018-01-13. Review status: criteria provided, single submitter. Criteria: ICSL Variant Classification Criteria 13 December 2019. Collection method: clinical testing. Allele origin: germline.
Comment: This variant was observed in the ICSL laboratory as part of a predisposition screen in an ostensibly healthy population. It had not been previously curated by ICSL or reported in the Human Gene Mutation Database (HGMD: prior to June 1st, 2018), and was therefore a candidate for classification through an automated scoring system. Utilizing variant allele frequency, disease prevalence and penetrance estimates, and inheritance mode, an automated score was calculated to assess if this variant is too frequent to cause the disease. Based on the score and internal cut-off values, a variant classified as benign is not then subjected to further curation. The score for this variant resulted in a classification of benign for this disease.

Breakthrough Genomics
Classification: Benign. Review status: criteria provided, single submitter. Criteria: ACMG Guidelines, 2015. Collection method: not provided. Allele origin: germline. Inheritance: Autosomal dominant inheritance. Affected: yes.

NM_031935.3(HMCN1):c.6908T>C (p.Ile2303Thr)

Gene: HMCN1 (hemicentin 1; plus strand). Cytogenetic location: 1q31.1.
Variant type: single nucleotide variant.
Coding change: c.6908T>C on transcript NM_031935.3 (MANE Select); coding-DNA position 6908, T replaced by C.
Protein change: p.Ile2303Thr; replaces isoleucine 2303 with threonine.
Molecular consequence: missense variant.
Genome position (GRCh38, 1-based): chr1:186,055,438, T>C. VCF-style: chr1-186055438-T-C. GRCh37 (hg19) VCF-style: chr1-186024570-T-C.
Other names: short protein forms I2303T.
Identifiers: ClinVar variation 294176 (VCV000294176.16), dbSNP rs149550536, ClinGen allele CA1292697.